The following is an entry in ClinVar:

NM_000094.4(COL7A1):c.8065G>A (p.Gly2689Arg)

Gene: COL7A1 (collagen type VII alpha 1 chain; minus strand). Cytogenetic location: 3p21.31.
Variant type: single nucleotide variant.
Coding change: c.8065G>A on transcript NM_000094.4 (MANE Select); coding-DNA position 8065, G replaced by A.
Protein change: p.Gly2689Arg; replaces glycine 2689 with arginine.
Molecular consequence: missense variant.
Genome position (GRCh38, 1-based): chr3:48,567,172, C>T on the plus strand (G>A on the coding strand, the complement: COL7A1 is on the minus strand). VCF-style: chr3-48567172-C-T. GRCh37 (hg19) VCF-style: chr3-48604605-C-T.
Other names: c.8065G>A (NM_000094.3); short protein forms G2689R.
Identifiers: ClinVar variation 1175072 (VCV001175072.16), dbSNP rs748940147, ClinGen allele CA2378173.

ClinVar aggregate classification (germline): Pathogenic. Review status: criteria provided, multiple submitters, no conflicts (2 of 4 stars). 8 submissions from 8 submitters: Pathogenic (6). 2 of the submissions do not count toward it. Last evaluated 2026-01-12.

Conditions:
Recessive dystrophic epidermolysis bullosa (RDEB). Also called: epidermolysis bullosa dystrophica, autosomal recessive; Epidermolysis Bullosa Distrophica Autosomal Recessive (RDEB); DYSTROPHIC EPIDERMOLYSIS BULLOSA, AUTOSOMAL RECESSIVE; EPIDERMOLYSIS BULLOSA DYSTROPHICA, HALLOPEAU-SIEMENS TYPE; severe generalized recessive dystrophic epidermolysis bullosa; Recessive DEB (RDEB). Identifiers: Orphanet 79408, Orphanet 79409, MedGen C0079474, MONDO:0009179, OMIM 226600.
COL7A1-related disorder. Also called: COL7A1-related condition; COL7A1- related disorders.
Epidermolysis bullosa dystrophica. Also called: Dystrophic epidermolysis bullosa, Hallopeau-Siemens type (formerly); Dystrophic epidermolysis bullosa. Identifiers: Orphanet 303, MedGen C0079294, MONDO:0006543.

Allele frequency attached by ClinVar (database versions not stated): gnomAD exomes below 0.00001 and 0.00002; ExAC 0.00002.
gnomAD v4.1: 8 of 1,614,012 alleles (0.0005%); highest among the groups gnomAD compares: East Asian, 0.0022%; no homozygotes.

Submissions (8):

3billion
Classification: Pathogenic for COL7A1-related disorder. Last evaluated: 2026-01-12. Review status: criteria provided, single submitter. Criteria: ACMG Guidelines, 2015. Collection method: clinical testing. Allele origin: germline. Affected: yes.
Comment: The variant is observed at an extremely low frequency in the gnomAD v4.1.0 dataset (total allele frequency: <0.001%). Predicted Consequence/Location: The variant is located in a mutational hot spot and/or well-established functional domain in which established pathogenic variants have been reported (PMID: 8644729). In silico tool predictions suggest damaging effect of the variant on gene or gene product [REVEL: 0.98 (>=0.6, sensitivity 0.68 and specificity 0.92)]. The same nucleotide change resulting in the same amino acid change has been previously reported as pathogenic/likely pathogenic with strong evidence (ClinVar ID: VCV001175072 /PMID: 16484981). A different missense change at the same codon (p.Gly2689Glu) has been reported to be associated with COL7A1-related disorder (PMID: 36287101). Therefore, this variant is classified as Pathogenic according to the recommendation of ACMG/AMP guideline.

Natera, Inc.
Classification: Pathogenic for Dystrophic epidermolysis bullosa. Last evaluated: 2025-12-26. Review status: criteria provided, single submitter. Criteria: Natera Variant Classification Schema (03/2026). Collection method: clinical testing. Allele origin: germline.
Comment: The c.8065G>A variant in COL7A1 is a missense variant predicted to cause substitution of glycine to arginine at amino acid 2689. This variant has been observed in one or more individuals affected with the associated recessive disease, as either homozygous or compound heterozygous with a second variant (PMID: 38264431, 38484894, 16484981, 32484238, 21113014, 36340603). Additionally, this variant has been observed to segregate in affected family members (PMID: 36340603). Given the available evidence, this variant is classified as Pathogenic.

Myriad Genetics, Inc.
Classification: Pathogenic for Recessive dystrophic epidermolysis bullosa. Last evaluated: 2025-05-20. Review status: criteria provided, single submitter. Criteria: Myriad Autosomal Dominant, Autosomal Recessive and X-Linked Classification Criteria (2023). Collection method: clinical testing. Allele origin: unknown.
Comment: NM_000094.3(COL7A1):c.8065G>A(G2689R) is a missense variant classified as pathogenic in the context of dystrophic epidermolysis bullosa. G2689R has been observed in cases with relevant disease (PMID: 36340603, 16484981). Relevant functional assessments of this variant are not available in the literature. G2689R has been observed in referenced population frequency databases. In summary, NM_000094.3(COL7A1):c.8065G>A(G2689R) is a missense variant that has been observed more frequently in cases with the relevant disease than in healthy populations. Please note: this variant was assessed in the context of healthy population screening.

Labcorp Genetics (formerly Invitae), Labcorp
Classification: Pathogenic. Last evaluated: 2024-01-08. Review status: criteria provided, single submitter. Criteria: Invitae Variant Classification Sherloc (09022015). Collection method: clinical testing. Allele origin: germline.
Comment: This sequence change replaces glycine, which is neutral and non-polar, with arginine, which is basic and polar, at codon 2689 of the COL7A1 protein (p.Gly2689Arg). This variant is present in population databases (rs748940147, gnomAD 0.003%). This missense change has been observed in individual(s) with autosomal recessive epidermolysis bullosa dystrophica (PMID: 16484981, 21113014, 32484238). In at least one individual the data is consistent with being in trans (on the opposite chromosome) from a pathogenic variant. ClinVar contains an entry for this variant (Variation ID: 1175072). Advanced modeling of protein sequence and biophysical properties (such as structural, functional, and spatial information, amino acid conservation, physicochemical variation, residue mobility, and thermodynamic stability) performed at Invitae indicates that this missense variant is expected to disrupt COL7A1 protein function with a positive predictive value of 95%. This variant disrupts the triple helix domain of COL7A1. Glycine residues within the Gly-Xaa-Yaa repeats of the triple helix domain are required for the structure and stability of fibrillar collagens (PMID: 7695699, 8218237, 19344236), and variants at these glycine residues in COL7A1 are more frequently observed in individuals with disease than in the general population (PMID: 22058051). However, the clinical significance of this observation remains uncertain since only a limited number of affected individuals have been described to date. For these reasons, this variant has been classified as Pathogenic.

Juno Genomics, Hangzhou Juno Genomics, Inc
Classification: Pathogenic for Recessive dystrophic epidermolysis bullosa. Review status: criteria provided, single submitter. Criteria: ACMG Guidelines, 2015. Collection method: clinical testing. Allele origin: germline.
Comment: Absent from controls (or at extremely low frequency if recessive) in Genome Aggregation Database.;Multiple lines of computational evidence support a deleterious effect on the gene or gene product.;Missense variant in a gene that has a low rate of benign missense variation.;Located in a mutational hot spot and/or critical and well-established functional domain without benign variation.;For recessive disorders, detected in trans with a pathogenic variant.;Patient's phenotype or family history is highly specific for a disease with a single genetic etiology.

Rady Children's Institute for Genomic Medicine, Rady Children's Hospital San Diego
Classification: Pathogenic for COL7A1-related disorders. Review status: criteria provided, single submitter. Criteria: ACMG Guidelines, 2015. Collection method: clinical testing. Allele origin: germline. Affected: yes.
Comment: The p.Gly2689Arg affects a moderately conserved amino acid glycine in C-terminal portion of the triple helical domain of collagen VII and is predicted to have a deleterious effect on protein function by PolyPhen-2 and MutationTaster, whereas SIFT predicts the change as tolerated. This variant has been previously reported as a compound heterozygous change or together with another COL7A1 alteration, phase unknown, in patients with Recessive Dystrophic Epidermolysis Bullosa (RDEB) (PMID: 21448560; 32484238; 16484981). A different nucleotide change causing the same amino acid alteration, c.8065G>C (p.Gly2689Arg), has been previously reported in one individual with RDEB (PMID: 21113014). Experimental studies using Procollagen VII extracted from keratinocytes of affected patients showed that the p.Gly2689Arg reduced stability of the triple helix of collagen VII (PMID: 16484981). The c.8065G>A (p.Gly2689Arg) variant is present in the heterozygous state in the gnomAD population database at a frequency of 0.002% (5/251228) and thus is presumed to be rare. Based on the available evidence, the c.8065G>A (p.Gly2689Arg) variant is classified as Pathogenic.

Diagnostic Laboratory, Department of Genetics, University Medical Center Groningen
Classification: Pathogenic. Review status: no assertion criteria provided. Collection method: clinical testing. Allele origin: germline. Affected: yes. Study: VKGL Data-share Consensus. Not counted in ClinVar's aggregate classification.

Joint Genome Diagnostic Labs from Nijmegen and Maastricht, Radboudumc and MUMC+
Classification: Pathogenic. Review status: no assertion criteria provided. Collection method: clinical testing. Allele origin: germline. Affected: yes. Study: VKGL Data-share Consensus. Not counted in ClinVar's aggregate classification.

Literature cited by the submitters: PubMed 16484981 (cited by 4 submitters); PubMed 36287101 (cited by 3billion); PubMed 38264431 (cited by Natera, Inc.); PubMed 38484894 (cited by Natera, Inc.); PubMed 32484238 (cited by Natera, Inc. and Labcorp Genetics (formerly Invitae), Labcorp); PubMed 21113014 (cited by Natera, Inc. and Labcorp Genetics (formerly Invitae), Labcorp); PubMed 36340603 (cited by Natera, Inc. and Myriad Genetics, Inc.); PubMed 7695699 (cited by Labcorp Genetics (formerly Invitae), Labcorp); PubMed 8218237 (cited by Labcorp Genetics (formerly Invitae), Labcorp); PubMed 19344236 (cited by Labcorp Genetics (formerly Invitae), Labcorp); PubMed 22058051 (cited by Labcorp Genetics (formerly Invitae), Labcorp).